The following is an entry in ClinVar:

NM_002485.5(NBN):c.702+9_702+13del

Gene: NBN (nibrin; minus strand). Cytogenetic location: 8q21.3.
Variant type: Deletion.
Coding change: c.702+9_702+13del on transcript NM_002485.5 (MANE Select); bases 9 to 13 of the intron after coding-DNA position 702, 5 bases deleted (GTTAT; older notation c.702+9_702+13delGTTAT).
Molecular consequence: intron variant.
Genome position (GRCh38, 1-based): chr8:89,971,160-89,971,164, ATAAC deleted on the plus strand (GTTAT on the coding strand, the reverse complement: NBN is on the minus strand); deleting any 5 consecutive bases within chr8:89,971,160-89,971,168 gives the same sequence; the c. name uses the placement nearest the transcript's 3' end. VCF-style (leftmost placement, unchanged base first): chr8-89971159-TATAAC-T. GRCh37 (hg19) VCF-style: chr8-90983387-TATAAC-T.
Other names: c.456+9_456+13del (NM_001024688.3); c.702+9_702+13del (NM_002485.4).
Identifiers: ClinVar variation 2918576 (VCV002918576.4), dbSNP rs1382032181, ClinGen allele CA583374452.
Genomic context (GRCh38, chr8:89,971,159, plus strand): 5'-TACTGATAAGAGTTAATAATGTATCCTAGTTTGTAATGTATTCTTTAGGAAAATTTAGCT[TATAAC>T]ATAATTACCTGTTTGGCATTCAAAAATATAAATGTTTTCCCTTTGAAGATTTGTTTTCTT-3'

ClinVar aggregate classification (germline): Conflicting classifications of pathogenicity. Review status: criteria provided, conflicting classifications (1 of 4 stars). 2 submissions from 2 submitters: Uncertain significance (1); Likely benign (1). Last evaluated 2025-05-27.

Conditions:
Microcephaly, normal intelligence and immunodeficiency (NBS). Also called: IMMUNODEFICIENCY, MICROCEPHALY, AND CHROMOSOMAL INSTABILITY; Ataxia telangiectasia variant V1; SEEMANOVA SYNDROME II; Immunodeficiency, microcephaly with normal intelligence; Nijmegen breakage syndrome; Microcephaly with normal intelligence immunodeficiency and lymphoreticular malignancies. Identifiers: Orphanet 647, MedGen C0398791, MONDO:0009623, OMIM 251260.

Submissions (2):

Quest Diagnostics Nichols Institute San Juan Capistrano
Classification: Uncertain significance. Last evaluated: 2025-05-27. Review status: criteria provided, single submitter. Criteria: Quest Diagnostics criteria. Collection method: clinical testing. Allele origin: unknown.
Comment: The NBN c.702+9_702+13del variant has not been reported in individuals with NBN-related conditions in the published literature. The frequency of this variant in the general population (Genome Aggregation Database) is uninformative in the assessment of its pathogenicity. Analysis of this variant using software algorithms for the prediction of the effect of nucleotide changes on splicing yielded predictions that this variant does not affect NBN mRNA splicing. Based on the available information, we are unable to determine the clinical significance of this variant.

Labcorp Genetics (formerly Invitae), Labcorp
Classification: Likely benign for Microcephaly, normal intelligence and immunodeficiency. Last evaluated: 2024-02-25. Review status: criteria provided, single submitter. Criteria: Invitae Variant Classification Sherloc (09022015). Collection method: clinical testing. Allele origin: germline.